The following is an entry in ClinVar:

NM_001184880.2(PCDH19):c.682G>T (p.Val228Leu)

Gene: PCDH19 (protocadherin 19; minus strand). Cytogenetic location: Xq22.1.
Variant type: single nucleotide variant.
Coding change: c.682G>T on transcript NM_001184880.2 (MANE Select); coding-DNA position 682, G replaced by T.
Protein change: p.Val228Leu; replaces valine 228 with leucine.
Molecular consequence: missense variant.
Genome position (GRCh38, 1-based): chrX:100,407,916, C>A on the plus strand (G>T on the coding strand, the complement: PCDH19 is on the minus strand). VCF-style: chrX-100407916-C-A. GRCh37 (hg19) VCF-style: chrX-99662914-C-A.
Other names: c.682G>T, p.Val228Leu (NM_001105243.2, NM_020766.3); short protein forms V228L.
Identifiers: ClinVar variation 3772416 (VCV003772416.13).

ClinVar aggregate classification (germline): Uncertain significance (1 of 4 stars; one submission).

Submission:

CeGaT Center for Human Genetics Tuebingen
Classification: Uncertain significance. Last evaluated: 2025-02-01. Review status: criteria provided, single submitter. Criteria: CeGaT Center For Human Genetics Tuebingen Variant Classification Criteria Version 2. Collection method: clinical testing. Allele origin: germline. Affected: yes. Observed: 1 variant allele.
Comment: PCDH19: PM2